The following is an entry in ClinVar:

ClinVar aggregate classification (germline): Uncertain significance (1 of 4 stars; one submission).

gnomAD v4.1: 1 of 1,614,188 alleles (0.000062%); highest among the groups gnomAD compares: Non-Finnish European, 0.000085%; no homozygotes.

Submission:

Labcorp Genetics (formerly Invitae), Labcorp
Classification: Uncertain significance. Last evaluated: 2021-05-14. Review status: criteria provided, single submitter. Criteria: Invitae Variant Classification Sherloc (09022015). Collection method: clinical testing. Allele origin: germline.
Comment: This sequence change replaces methionine with isoleucine at codon 422 of the RHOBTB2 protein (p.Met422Ile). The methionine residue is highly conserved and there is a small physicochemical difference between methionine and isoleucine. This variant is not present in population databases (ExAC no frequency). This variant has not been reported in the literature in individuals with RHOBTB2-related conditions. Algorithms developed to predict the effect of missense changes on protein structure and function (SIFT, PolyPhen-2, Align-GVGD) all suggest that this variant is likely to be tolerated, but these predictions have not been confirmed by published functional studies and their clinical significance is uncertain. In summary, the available evidence is currently insufficient to determine the role of this variant in disease. Therefore, it has been classified as a Variant of Uncertain Significance.

NM_015178.3(RHOBTB2):c.1200G>T (p.Met400Ile)

Gene: RHOBTB2 (Rho related BTB domain containing 2; plus strand). Cytogenetic location: 8p21.3.
Variant type: single nucleotide variant.
Coding change: c.1200G>T on transcript NM_015178.3 (MANE Select); coding-DNA position 1200, G replaced by T.
Protein change: p.Met400Ile; replaces methionine 400 with isoleucine.
Molecular consequence: missense variant.
Genome position (GRCh38, 1-based): chr8:23,007,445, G>T. VCF-style: chr8-23007445-G-T. GRCh37 (hg19) VCF-style: chr8-22864958-G-T.
Other names: c.1266G>T, p.Met422Ile (NM_001160036.2); c.1221G>T, p.Met407Ile (NM_001160037.2); c.1200G>T, p.Met400Ile (NM_001374791.1); short protein forms M400I, M407I, M422I.
Identifiers: ClinVar variation 1491044 (VCV001491044.8), dbSNP rs2128804888, ClinGen allele CA370567667.